The following is an entry in ClinVar:

NM_015922.3(NSDHL):c.460G>A (p.Asp154Asn)

Gene: NSDHL (NAD(P) dependent 3-beta-hydroxysteroid dehydrogenase NSDHL; plus strand). Cytogenetic location: Xq28.
Variant type: single nucleotide variant.
Coding change: c.460G>A on transcript NM_015922.3 (MANE Select); coding-DNA position 460, G replaced by A.
Protein change: p.Asp154Asn; replaces aspartic acid 154 with asparagine.
Molecular consequence: missense variant.
Genome position (GRCh38, 1-based): chrX:152,862,641, G>A. VCF-style: chrX-152862641-G-A. GRCh37 (hg19) VCF-style: chrX-152031185-G-A.
Other names: c.460G>A, p.Asp154Asn (NM_001129765.2); short protein forms D154N.
Identifiers: ClinVar variation 2910363 (VCV002910363.4), dbSNP rs868918302, ClinGen allele CA415285210.
Genomic context (GRCh38, chrX:152,862,641, plus strand): 5'-ACCTTCCTCTGTCAGAAACTCATTTTAACCAGCAGTGCCAGTGTCATCTTTGAGGGCGTC[G>A]ATATCAAGAATGGAACTGAAGACCTTCCCTATGCCATGAAACCCATTGACTACTACACAG-3'
Protein context (NP_057006.1, residues 144-164): SSASVIFEGV[Asp154Asn]IKNGTEDLPY

ClinVar aggregate classification (germline): Conflicting classifications of pathogenicity. Review status: criteria provided, conflicting classifications (1 of 4 stars). 2 submissions from 2 submitters: Uncertain significance (1); Likely benign (1). Last evaluated 2024-07-29.

Allele frequency attached by ClinVar (database versions not stated): gnomAD exomes 0.00001; TOPMed 0.00002; gnomAD 0.00003.
gnomAD v4.1: 10 of 1,201,090 alleles (0.00083%); highest among the groups gnomAD compares: African/African-American, 0.007%; no homozygotes.

Submissions (2):

Women's Health and Genetics/Laboratory Corporation of America, LabCorp
Classification: Uncertain significance. Last evaluated: 2024-07-29. Review status: criteria provided, single submitter. Criteria: LabCorp Variant Classification Summary - May 2015. Collection method: clinical testing. Allele origin: germline.
Comment: Variant summary: NSDHL c.460G>A (p.Asp154Asn) results in a conservative amino acid change located in the 3-beta hydroxysteroid dehydrogenase/isomerase (IPR002225) of the encoded protein sequence. Four of five in-silico tools predict a benign effect of the variant on protein function. The variant allele was found at a frequency of 2.2e-05 in 183439 control chromosomes. The available data on variant occurrences in the general population are insufficient to allow any conclusion about variant significance. To our knowledge, no occurrence of c.460G>A in individuals affected with NSDHL-Related Disorder and no experimental evidence demonstrating its impact on protein function have been reported. ClinVar contains an entry for this variant (Variation ID: 2910363). Based on the evidence outlined above, the variant was classified as uncertain significance.

Labcorp Genetics (formerly Invitae), Labcorp
Classification: Likely benign. Last evaluated: 2023-09-01. Review status: criteria provided, single submitter. Criteria: Invitae Variant Classification Sherloc (09022015). Collection method: clinical testing. Allele origin: germline.